The following is an entry in ClinVar:

ClinVar aggregate classification (germline): Uncertain significance (1 of 4 stars; one submission).

Conditions:
Hereditary cancer-predisposing syndrome. Also called: Neoplastic Syndromes, Hereditary; Hereditary Cancer Syndrome; Hereditary neoplastic syndrome; Tumor predisposition. Identifiers: Orphanet 140162, MedGen C0027672, MeSH D009386, MONDO:0015356.

Submission:

Ambry Genetics
Classification: Uncertain significance for Hereditary cancer-predisposing syndrome. Last evaluated: 2023-04-18. Review status: criteria provided, single submitter. Criteria: Ambry Variant Classification Scheme 2023. Collection method: clinical testing. Allele origin: germline.
Comment: The p.I496N variant (also known as c.1487T>A), located in coding exon 14 of the TSC2 gene, results from a T to A substitution at nucleotide position 1487. The isoleucine at codon 496 is replaced by asparagine, an amino acid with dissimilar properties. This amino acid position is conserved. In addition, the in silico prediction for this alteration is inconclusive. Since supporting evidence is limited at this time, the clinical significance of this alteration remains unclear.

NM_000548.5(TSC2):c.1487T>A (p.Ile496Asn)

Gene: TSC2 (TSC complex subunit 2; plus strand). Cytogenetic location: 16p13.3.
Variant type: single nucleotide variant.
Coding change: c.1487T>A on transcript NM_000548.5 (MANE Select); coding-DNA position 1487, T replaced by A.
Protein change: p.Ile496Asn; replaces isoleucine 496 with asparagine.
Molecular consequence: missense variant. On other transcripts: 5 prime UTR variant (1), non-coding transcript variant (5).
Genome position (GRCh38, 1-based): chr16:2,064,315, T>A. VCF-style: chr16-2064315-T-A. GRCh37 (hg19) VCF-style: chr16-2114316-T-A.
Other names: c.1340T>A, p.Ile447Asn (NM_001318829.2, NM_001406675.1, NM_001406676.1 and 1 more transcripts); c.1487T>A, p.Ile496Asn (NM_001370404.1, NM_001363528.2, NM_001370405.1 and 6 more transcripts); c.887T>A, p.Ile296Asn (NM_001318831.2, NM_001406680.1, NM_001406682.1 and 6 more transcripts); c.1520T>A, p.Ile507Asn (NM_001318832.2); c.1376T>A, p.Ile459Asn (NM_001318827.2, NM_001406670.1, NM_001406678.1); c.1577T>A, p.Ile526Asn (NM_001406667.1, NM_001406668.1); c.1475T>A, p.Ile492Asn (NM_001406671.1, NM_001406673.1); c.1430T>A, p.Ile477Asn (NM_001406677.1); and 3 more; short protein forms I342N, I526N, I459N, I477N, I48N, I296N, I447N, I492N.
Identifiers: ClinVar variation 2564671 (VCV002564671.2), dbSNP rs2548570491, ClinGen allele CA394325909.